The following is an entry in ClinVar:

NM_024675.4(PALB2):c.3017dup (p.Leu1006fs)

Gene: PALB2 (partner and localizer of BRCA2; minus strand). Cytogenetic location: 16p12.2.
Variant type: Duplication.
Coding change: c.3017dup on transcript NM_024675.4 (MANE Select); coding-DNA position 3017, one base duplicated (T; older notation c.3017dupT).
Protein change: p.Leu1006fs; shifts the reading frame from leucine 1006.
Molecular consequence: frameshift variant.
Genome position (GRCh38, 1-based): chr16:23,621,458, A duplicated on the plus strand (T on the coding strand, the reverse complement: PALB2 is on the minus strand); the first of 5 consecutive A bases (chr16:23,621,458-23,621,462); duplicating any one gives the same sequence. VCF-style (leftmost placement, unchanged base first): chr16-23621457-C-CA. GRCh37 (hg19) VCF-style: chr16-23632778-C-CA.
Other names: c.2953dup, p.Leu986Phefs (NM_001407296.1); c.2941dup, p.Leu982Phefs (NM_001407297.1); c.2851dup, p.Leu952Phefs (NM_001407298.1, NM_001407302.1); c.3013dup, p.Leu1006Phefs (NM_001407299.1, NM_001407301.1); c.2128dup, p.Leu711Phefs (NM_001407304.1, NM_001407305.1, NM_001407306.1 and 4 more transcripts); c.1966dup, p.Leu657Phefs (NM_001407307.1); c.1225dup, p.Leu410Phefs (NM_001407312.1, NM_001407313.1); c.547dup, p.Leu184Phefs (NM_001407314.1); and 1 more; short protein forms L1006fs.
Identifiers: ClinVar variation 1798867 (VCV001798867.4), dbSNP rs886039683, ClinGen allele CA645592551.

ClinVar aggregate classification (germline): Pathogenic. Review status: criteria provided, multiple submitters, no conflicts (2 of 4 stars). 2 submissions from 2 submitters: Pathogenic (2). Last evaluated 2025-08-04.

Conditions:
Hereditary cancer-predisposing syndrome. Also called: Neoplastic Syndromes, Hereditary; Tumor predisposition; Hereditary Cancer Syndrome; Hereditary neoplastic syndrome. Identifiers: Orphanet 140162, MedGen C0027672, MeSH D009386, MONDO:0015356.
Familial cancer of breast. Also called: BREAST CANCER, FAMILIAL; Hereditary breast cancer; hereditary breast carcinoma. Identifiers: Orphanet 227535, MedGen C0346153, MONDO:0016419, OMIM 114480. Disease mechanism: loss of function.

Submissions (2):

Ambry Genetics
Classification: Pathogenic for Hereditary cancer-predisposing syndrome. Last evaluated: 2025-08-04. Review status: criteria provided, single submitter. Criteria: Ambry Variant Classification Scheme 2023. Collection method: clinical testing. Allele origin: germline.
Comment: The c.3017dupT pathogenic mutation, located in coding exon 10 of the PALB2 gene, results from a duplication of T at nucleotide position 3017, causing a translational frameshift with a predicted alternate stop codon (p.L1006Ffs*5). This mutation has been identified in a patient with breast cancer (Sun J et al. Clin Cancer Res. 2017 Oct 15;23(20):6113-6119). In addition to the clinical data presented in the literature, this alteration is expected to result in loss of function by premature protein truncation or nonsense-mediated mRNA decay. As such, this alteration is interpreted as a disease-causing mutation.

Myriad Genetics, Inc.
Classification: Pathogenic for Familial cancer of breast. Last evaluated: 2023-09-14. Review status: criteria provided, single submitter. Criteria: Myriad Autosomal Dominant, Autosomal Recessive and X-Linked Classification Criteria (2023). Collection method: clinical testing. Allele origin: unknown.
Comment: This variant is considered pathogenic. This variant creates a frameshift predicted to result in premature protein truncation.